The following is an entry in ClinVar:

ClinVar aggregate classification (germline): Pathogenic. Review status: criteria provided, multiple submitters, no conflicts (2 of 4 stars). 2 submissions from 2 submitters: Pathogenic (2). Last evaluated 2025-05-25.

Conditions:
Tumor predisposition syndrome 3 (TPDS3). Also called: Melanoma, cutaneous malignant, susceptibility to, 10; Glioma susceptibility 9; LONG TELOMERE SYNDROME, POT1-RELATED; POT1 Tumor Predisposition. Identifiers: Orphanet 618, MedGen C4014476, MONDO:0014368, OMIM 615848.
Hereditary cancer-predisposing syndrome. Also called: Neoplastic Syndromes, Hereditary; Hereditary neoplastic syndrome; Tumor predisposition; Hereditary Cancer Syndrome. Identifiers: Orphanet 140162, MedGen C0027672, MeSH D009386, MONDO:0015356.

Submissions (2):

Ambry Genetics
Classification: Pathogenic for Hereditary cancer-predisposing syndrome. Last evaluated: 2025-05-25. Review status: criteria provided, single submitter. Criteria: Ambry Variant Classification Scheme 2023. Collection method: clinical testing. Allele origin: germline.
Comment: The c.1411_1414delAATAinsTTTTT pathogenic mutation, located in coding exon 11 of the POT1 gene, results from the deletion of 4 nucleotides and insertion of 5 nucleotides causing a translational frameshift with a predicted alternate stop codon (p.N471Ffs*34). This variant is considered to be rare based on population cohorts in the Genome Aggregation Database (gnomAD). This alteration is expected to result in loss of function by premature protein truncation or nonsense-mediated mRNA decay. As such, this alteration is interpreted as a disease-causing mutation.

Labcorp Genetics (formerly Invitae), Labcorp
Classification: Pathogenic for Tumor predisposition syndrome 3. Last evaluated: 2022-10-09. Review status: criteria provided, single submitter. Criteria: Invitae Variant Classification Sherloc (09022015). Collection method: clinical testing. Allele origin: germline.
Comment: This sequence change creates a premature translational stop signal (p.Asn471Phefs*34) in the POT1 gene. It is expected to result in an absent or disrupted protein product. Loss-of-function variants in POT1 are known to be pathogenic (PMID: 32155570). This variant is not present in population databases (gnomAD no frequency). This variant has not been reported in the literature in individuals affected with POT1-related conditions. ClinVar contains an entry for this variant (Variation ID: 859456). For these reasons, this variant has been classified as Pathogenic.

Literature cited by the submitters: PubMed 32155570 (cited by Labcorp Genetics (formerly Invitae), Labcorp).

NM_015450.3(POT1):c.1411_1414delinsTTTTT (p.Asn471fs)

Gene: POT1 (protection of telomeres 1; minus strand). Cytogenetic location: 7q31.33.
Variant type: Indel.
Coding change: c.1411_1414delinsTTTTT on transcript NM_015450.3 (MANE Select); coding-DNA positions 1411 to 1414, AATA replaced by TTTTT.
Protein change: p.Asn471fs; shifts the reading frame from asparagine 471.
Molecular consequence: frameshift variant. On other transcripts: non-coding transcript variant (3).
Genome position (GRCh38, 1-based): chr7:124,835,370-124,835,373, TATT replaced by AAAAA on the plus strand (AATA replaced by TTTTT on the coding strand, the reverse complement: POT1 is on the minus strand). VCF-style: chr7-124835370-TATT-AAAAA. GRCh37 (hg19) VCF-style: chr7-124475424-TATT-AAAAA.
Other names: c.1411_1414delAATAinsTTTTT (NM_015450.2); c.1018_1021delinsTTTTT, p.Asn340fs (NM_001042594.2); short protein forms N340fs, N471fs.
Identifiers: ClinVar variation 859456 (VCV000859456.6), dbSNP rs1794873983, ClinGen allele CA916082957.